The following is an entry in ClinVar:

NM_016277.5(RAB23):c.*1G>A

Gene: RAB23 (RAB23, member RAS oncogene family; minus strand). Cytogenetic location: 6p12.1.
Variant type: single nucleotide variant.
Coding change: c.*1G>A on transcript NM_016277.5 (MANE Select); 1 bases downstream of the stop codon, G replaced by A.
Molecular consequence: 3 prime UTR variant. On other transcripts: non-coding transcript variant (1).
Genome position (GRCh38, 1-based): chr6:57,190,460, C>T on the plus strand (G>A on the coding strand, the complement: RAB23 is on the minus strand). VCF-style: chr6-57190460-C-T. GRCh37 (hg19) VCF-style: chr6-57055258-C-T.
Other names: c.*1G>A (NM_001278666.2, NM_001278667.2, NM_001278668.2 and 1 more transcripts).
Identifiers: ClinVar variation 4978734 (VCV004978734.1).

ClinVar aggregate classification (germline): Likely benign (1 of 4 stars; one submission).

Conditions:
RAB23-related disorder. Also called: RAB23-related condition.

gnomAD v4.1: 43 of 1,613,908 alleles (0.0027%); highest among the groups gnomAD compares: Admixed American, 0.04%; no homozygotes.

Submission:

PreventionGenetics, part of Exact Sciences
Classification: Likely benign for RAB23-related condition. Last evaluated: 2025-04-18. Review status: criteria provided, single submitter. Criteria: ACMG Guidelines, 2015. Collection method: clinical testing. Allele origin: germline.
Comment: This variant is classified as likely benign based on ACMG/AMP sequence variant interpretation guidelines (Richards et al. 2015 PMID: 25741868, with internal and published modifications).